The following is an entry in ClinVar:

NM_004360.5(CDH1):c.1386T>C (p.Phe462=)

Gene: CDH1 (cadherin 1; plus strand). Cytogenetic location: 16q22.1.
Variant type: single nucleotide variant.
Coding change: c.1386T>C on transcript NM_004360.5 (MANE Select); coding-DNA position 1386, T replaced by C.
Protein change: p.Phe462=; no amino-acid change (phenylalanine 462 retained).
Molecular consequence: synonymous variant. On other transcripts: 5 prime UTR variant (2).
Genome position (GRCh38, 1-based): chr16:68,815,580, T>C. VCF-style: chr16-68815580-T-C. GRCh37 (hg19) VCF-style: chr16-68849483-T-C.
Other names: c.1203T>C, p.Phe401= (NM_001317184.2); c.-163T>C (NM_001317185.2); c.-434T>C (NM_001317186.2).
Identifiers: ClinVar variation 3378570 (VCV003378570.1).

ClinVar aggregate classification (germline): Benign (1 of 4 stars; one submission).

Conditions:
Hereditary diffuse gastric adenocarcinoma (HDGC). Also called: DIFFUSE GASTRIC AND LOBULAR BREAST CANCER SYNDROME. Identifiers: Orphanet 26106, MedGen C1708349, MONDO:0007648, OMIM 137215.

Submission:

Myriad Genetics, Inc.
Classification: Benign for Hereditary diffuse gastric adenocarcinoma. Last evaluated: 2024-09-18. Review status: criteria provided, single submitter. Criteria: Myriad Autosomal Dominant, Autosomal Recessive and X-Linked Classification Criteria (2023). Collection method: clinical testing. Allele origin: unknown.
Comment: This variant is considered benign. This variant is a silent/synonymous amino acid change and it is not expected to impact splicing.